The following is an entry in ClinVar:

NM_004369.4(COL6A3):c.6469C>A (p.Pro2157Thr)

Gene: COL6A3 (collagen type VI alpha 3 chain; minus strand). Cytogenetic location: 2q37.3.
Variant type: single nucleotide variant.
Coding change: c.6469C>A on transcript NM_004369.4 (MANE Select); coding-DNA position 6469, C replaced by A.
Protein change: p.Pro2157Thr; replaces proline 2157 with threonine.
Molecular consequence: missense variant.
Genome position (GRCh38, 1-based): chr2:237,358,523, G>T on the plus strand (C>A on the coding strand, the complement: COL6A3 is on the minus strand). VCF-style: chr2-237358523-G-T. GRCh37 (hg19) VCF-style: chr2-238267166-G-T.
Other names: c.4648C>A, p.Pro1550Thr (NM_057166.5); c.5851C>A, p.Pro1951Thr (NM_057167.4); short protein forms P2157T, P1550T, P1951T.
Identifiers: ClinVar variation 3700417 (VCV003700417.3).

ClinVar aggregate classification (germline): Uncertain significance. Review status: criteria provided, multiple submitters, no conflicts (2 of 4 stars). 2 submissions from 2 submitters: Uncertain significance (2). Last evaluated 2024-09-17.

Conditions:
Bethlem myopathy 1A. Also called: MYOPATHY, BENIGN CONGENITAL, WITH CONTRACTURES; Bethlem myopathy 1; Bethlem Muscular Dystrophy. Identifiers: Orphanet 610, MedGen CN029274, MONDO:0024530, OMIM 158810.

gnomAD v4.1: 1 of 1,613,460 alleles (0.000062%); highest among the groups gnomAD compares: Non-Finnish European, 0.000085%; no homozygotes.

Submissions (2):

GeneDx
Classification: Uncertain significance. Last evaluated: 2024-09-17. Review status: criteria provided, single submitter. Criteria: GeneDx Variant Classification Process June 2021. Collection method: clinical testing. Allele origin: germline. Affected: yes.
Comment: Not observed at significant frequency in large population cohorts (gnomAD); In silico analysis supports that this missense variant has a deleterious effect on protein structure/function; Has not been previously published as pathogenic or benign to our knowledge

Labcorp Genetics (formerly Invitae), Labcorp
Classification: Uncertain significance for Bethlem myopathy 1A. Last evaluated: 2024-03-20. Review status: criteria provided, single submitter. Criteria: Invitae Variant Classification Sherloc (09022015). Collection method: clinical testing. Allele origin: germline.
Comment: This sequence change replaces proline, which is neutral and non-polar, with threonine, which is neutral and polar, at codon 2157 of the COL6A3 protein (p.Pro2157Thr). This variant is not present in population databases (gnomAD no frequency). This variant has not been reported in the literature in individuals affected with COL6A3-related conditions. An algorithm developed to predict the effect of missense changes on protein structure and function (PolyPhen-2) suggests that this variant is likely to be disruptive. In summary, the available evidence is currently insufficient to determine the role of this variant in disease. Therefore, it has been classified as a Variant of Uncertain Significance.